The following is an entry in ClinVar:

NM_014846.4(WASHC5):c.2158T>G (p.Phe720Val)

Gene: WASHC5 (WASH complex subunit 5; minus strand). Cytogenetic location: 8q24.13.
Variant type: single nucleotide variant.
Coding change: c.2158T>G on transcript NM_014846.4 (MANE Select); coding-DNA position 2158, T replaced by G.
Protein change: p.Phe720Val; replaces phenylalanine 720 with valine.
Molecular consequence: missense variant.
Genome position (GRCh38, 1-based): chr8:125,050,605, A>C on the plus strand (T>G on the coding strand, the complement: WASHC5 is on the minus strand). VCF-style: chr8-125050605-A-C. GRCh37 (hg19) VCF-style: chr8-126062847-A-C.
Other names: c.1714T>G, p.Phe572Val (NM_001330609.2); short protein forms F572V, F720V.
Identifiers: ClinVar variation 647112 (VCV000647112.10), dbSNP rs1586352875, ClinGen allele CA372189579.

ClinVar aggregate classification (germline): Uncertain significance (1 of 4 stars; one submission).

Conditions:
Hereditary spastic paraplegia 8 (SPG8). Also called: SPASTIC PARAPLEGIA 8, AUTOSOMAL DOMINANT. Identifiers: Orphanet 100989, MedGen C1863704, MONDO:0011339, OMIM 603563.
Ritscher-Schinzel syndrome. Also called: CRANIOCEREBELLOCARDIAC DYSPLASIA. Identifiers: Orphanet 7, MedGen C0796137, MONDO:0019078.

Submission:

Labcorp Genetics (formerly Invitae), Labcorp
Classification: Uncertain significance for Ritscher-Schinzel syndrome; Hereditary spastic paraplegia 8. Last evaluated: 2020-02-15. Review status: criteria provided, single submitter. Criteria: Invitae Variant Classification Sherloc (09022015). Collection method: clinical testing. Allele origin: germline.
Comment: This sequence change replaces phenylalanine with valine at codon 720 of the WASHC5 protein (p.Phe720Val). The phenylalanine residue is weakly conserved and there is a small physicochemical difference between phenylalanine and valine. This variant is not present in population databases (ExAC no frequency). This variant has not been reported in the literature in individuals with WASHC5-related disease. Algorithms developed to predict the effect of missense changes on protein structure and function (SIFT, PolyPhen-2, Align-GVGD) all suggest that this variant is likely to be tolerated, but these predictions have not been confirmed by published functional studies and their clinical significance is uncertain. In summary, the available evidence is currently insufficient to determine the role of this variant in disease. Therefore, it has been classified as a Variant of Uncertain Significance.